The following is an entry in ClinVar:

NC_000005.9:g.(?_88047654)_(88047880_?)del

Gene: MEF2C (myocyte enhancer factor 2C; minus strand). Cytogenetic location: 5q14.3.
Variant type: Deletion.
Identifiers: ClinVar variation 1412055 (VCV001412055.6).

ClinVar aggregate classification (germline): Pathogenic (1 of 4 stars; one submission).

Conditions:
Neurodevelopmental disorder with hypotonia, stereotypic hand movements, and impaired language. Also called: Intellectual disability, autosomal dominant 20. Identifiers: Orphanet 228384, Orphanet 664410, MedGen C3150700, MONDO:0013266, OMIM 613443.

Submission:

Labcorp Genetics (formerly Invitae), Labcorp
Classification: Pathogenic for Neurodevelopmental disorder with hypotonia, stereotypic hand movements, and impaired language. Last evaluated: 2021-08-18. Review status: criteria provided, single submitter. Criteria: Invitae Variant Classification Sherloc (09022015). Collection method: clinical testing. Allele origin: germline.
Comment: This variant has not been reported in the literature in individuals affected with MEF2C-related conditions. For these reasons, this variant has been classified as Pathogenic. This variant is a gross deletion of the genomic region encompassing exon(s) 5 of the MEF2C gene. This deletion is out-of-frame, and is expected to create a premature termination codon and result in an absent or disrupted protein product. Loss-of-function variants in MEF2C are known to be pathogenic (PMID: 20513142).

Literature cited by the submitters: PubMed 20513142.